The following is an entry in ClinVar:

ClinVar aggregate classification (germline): Conflicting classifications of pathogenicity. Review status: criteria provided, conflicting classifications (1 of 4 stars). 7 submissions from 7 submitters: Uncertain significance (5); Likely benign (2). Last evaluated 2025-12-04.

Conditions:
VCL-related disorder. Also called: VCL-related condition.
Dilated cardiomyopathy 1W (CMD1W). Identifiers: Orphanet 154, MedGen C1969639, MONDO:0012667, OMIM 611407.
Cardiovascular phenotype. Identifiers: MedGen CN230736.

Allele frequency attached by ClinVar (database versions not stated): gnomAD 0.00001; ExAC 0.00002; gnomAD exomes 0.00002; TOPMed 0.00002.
gnomAD v4.1: 24 of 1,614,004 alleles (0.0015%); highest among the groups gnomAD compares: African/African-American, 0.004%; 1 homozygote.

Submissions (7):

Labcorp Genetics (formerly Invitae), Labcorp
Classification: Uncertain significance for Dilated cardiomyopathy 1W. Last evaluated: 2025-12-04. Review status: criteria provided, single submitter. Criteria: Invitae Variant Classification Sherloc (09022015). Collection method: clinical testing. Allele origin: germline.
Comment: This sequence change replaces asparagine, which is neutral and polar, with serine, which is neutral and polar, at codon 478 of the VCL protein (p.Asn478Ser). This variant is present in population databases (rs763235691, gnomAD 0.007%), including at least one homozygous and/or hemizygous individual. This variant has not been reported in the literature in individuals affected with VCL-related conditions. ClinVar contains an entry for this variant (Variation ID: 879309). An algorithm developed to predict the effect of missense changes on protein structure and function (PolyPhen-2) suggests that this variant is likely to be tolerated. In summary, the available evidence is currently insufficient to determine the role of this variant in disease. Therefore, it has been classified as a Variant of Uncertain Significance.

PreventionGenetics, part of Exact Sciences
Classification: Uncertain significance for VCL-related condition. Last evaluated: 2025-12-02. Review status: criteria provided, single submitter. Criteria: ACMG Guidelines, 2015. Collection method: clinical testing. Allele origin: germline.
Comment: The VCL c.1433A>G variant is predicted to result in the amino acid substitution p.Asn478Ser. This variant has been reported in an individual with Brugada syndrome who also had an SCN5A variant that led to loss of function of the SCN5A protein (Kinoshita et al. 2016. PubMed ID: 26776555). This variant is reported in 0.012% of alleles in individuals of African descent in gnomAD and has conflicting interpretations regarding its pathogenicity in ClinVar, ranging from likely benign to uncertain (Variation ID: 879309). At this time, the clinical significance of this variant is uncertain due to the absence of conclusive functional and genetic evidence.

Women's Health and Genetics/Laboratory Corporation of America, LabCorp
Classification: Uncertain significance. Last evaluated: 2025-11-18. Review status: criteria provided, single submitter. Criteria: LabCorp Variant Classification Summary - May 2015. Collection method: clinical testing. Allele origin: germline.
Comment: Variant summary: VCL c.1433A>G (p.Asn478Ser) results in a conservative amino acid change in the encoded protein sequence. Algorithms developed to predict the effect of missense changes on protein structure and function are either unavailable or do not agree on the potential impact of this missense change. The variant allele was found at a frequency of 1.6e-05 in 251356 control chromosomes in the gnomAD database, including 1 homozygote. The available data on variant occurrences in the general population are insufficient to allow any conclusion about variant significance. c.1433A>G has been observed in an individual(s) affected with Cardiomyopathy (e.g., Cuenca_2016). This report does not provide unequivocal conclusions about association of the variant with Cardiomyopathy. To our knowledge, no experimental evidence demonstrating an impact on protein function has been reported. The following publication has been ascertained in the context of this evaluation (PMID: 26899768). ClinVar contains an entry for this variant (Variation ID: 879309). Based on the evidence outlined above, the variant was classified as uncertain significance.

Ambry Genetics
Classification: Uncertain significance for Cardiovascular phenotype. Last evaluated: 2025-08-28. Review status: criteria provided, single submitter. Criteria: Ambry Variant Classification Scheme 2023. Collection method: clinical testing. Allele origin: germline.
Comment: The p.N478S variant (also known as c.1433A>G), located in coding exon 11 of the VCL gene, results from an A to G substitution at nucleotide position 1433. The asparagine at codon 478 is replaced by serine, an amino acid with highly similar properties. This amino acid position is well conserved in available vertebrate species; however, serine is the reference amino acid in other vertebrate species. In addition, this alteration is predicted to be tolerated by in silico analysis. Since supporting evidence is limited at this time, the clinical significance of this alteration remains unclear.

Blueprint Genetics
Classification: Likely benign. Last evaluated: 2023-07-06. Review status: criteria provided, single submitter. Criteria: ACMG Guidelines, 2015. Collection method: clinical testing. Allele origin: germline.

GeneDx
Classification: Likely benign. Last evaluated: 2020-02-10. Review status: criteria provided, single submitter. Criteria: GeneDx Variant Classification Process June 2021. Collection method: clinical testing. Allele origin: germline. Affected: yes.
Comment: This variant is associated with the following publications: (PMID: 26899768, 26776555)

Illumina Laboratory Services, Illumina
Classification: Uncertain significance for Dilated cardiomyopathy 1W. Last evaluated: 2018-01-13. Review status: criteria provided, single submitter. Criteria: ICSL Variant Classification Criteria 13 December 2019. Collection method: clinical testing. Allele origin: germline.

Literature cited by the submitters: PubMed 26899768 (cited by Women's Health and Genetics/Laboratory Corporation of America, LabCorp); PubMed 26776555 (cited by Ambry Genetics).

NM_014000.3(VCL):c.1433A>G (p.Asn478Ser)

Gene: VCL (vinculin; plus strand). Cytogenetic location: 10q22.2.
Variant type: single nucleotide variant.
Coding change: c.1433A>G on transcript NM_014000.3 (MANE Select); coding-DNA position 1433, A replaced by G.
Protein change: p.Asn478Ser; replaces asparagine 478 with serine.
Molecular consequence: missense variant.
Genome position (GRCh38, 1-based): chr10:74,094,351, A>G. VCF-style: chr10-74094351-A-G. GRCh37 (hg19) VCF-style: chr10-75854109-A-G.
Other names: c.1433A>G, p.Asn478Ser (NM_003373.4); short protein forms N478S.
Identifiers: ClinVar variation 879309 (VCV000879309.18), dbSNP rs763235691, ClinGen allele CA5563008.
Genomic context (GRCh38, chr10:74,094,351, plus strand): 5'-AGGCTCGAGCCTTGGCCAAACAGGTGGCCACGGCCCTGCAGAACCTGCAGACCAAAACCA[A>G]CCGGGCTGTGGCCAACAGCAGACCGGCCAAAGCAGCTGTACACCTTGAGGGCAAGATTGA-3'
Protein context (NP_054706.1, residues 468-488): TALQNLQTKT[Asn478Ser]RAVANSRPAK